The following is an entry in ClinVar:

NM_001042603.3(KDM5A):c.3971T>G (p.Val1324Gly)

Genes: KDM5A (lysine demethylase 5A; minus strand), LOC126861410 (BRD4-independent group 4 enhancer GRCh37_chr12:415875-417074; plus strand). Cytogenetic location: 12p13.33.
Variant type: single nucleotide variant.
Coding change: c.3971T>G on transcript NM_001042603.3 (MANE Select); coding-DNA position 3971, T replaced by G.
Protein change: p.Val1324Gly; replaces valine 1324 with glycine.
Molecular consequence: missense variant.
Genome position (GRCh38, 1-based): chr12:307,049, A>C on the plus strand (T>G on the coding strand, the complement: KDM5A is on the minus strand). VCF-style: chr12-307049-A-C. GRCh37 (hg19) VCF-style: chr12-416215-A-C.
Other names: short protein forms V1324G.
Identifiers: ClinVar variation 3348460 (VCV003348460.1).

ClinVar aggregate classification (germline): Uncertain significance (0 of 4 stars; one submission).

Conditions:
KDM5A-related disorder. Also called: KDM5A-related condition.

Submission:

PreventionGenetics, part of Exact Sciences
Classification: Uncertain significance for KDM5A-related condition. Last evaluated: 2024-03-08. Review status: no assertion criteria provided. Collection method: clinical testing. Allele origin: germline.
Comment: The KDM5A c.3971T>G variant is predicted to result in the amino acid substitution p.Val1324Gly. To our knowledge, this variant has not been reported in the literature or in a large population database, indicating this variant is rare. At this time, the clinical significance of this variant is uncertain due to the absence of conclusive functional and genetic evidence.